The following is an entry in ClinVar:

NM_002474.3(MYH11):c.2180G>A (p.Arg727His)

Gene: MYH11 (myosin heavy chain 11; minus strand). Cytogenetic location: 16p13.11.
Variant type: single nucleotide variant.
Coding change: c.2180G>A on transcript NM_002474.3 (MANE Select); coding-DNA position 2180, G replaced by A.
Protein change: p.Arg727His; replaces arginine 727 with histidine.
Molecular consequence: missense variant.
Genome position (GRCh38, 1-based): chr16:15,748,047, C>T on the plus strand (G>A on the coding strand, the complement: MYH11 is on the minus strand). VCF-style: chr16-15748047-C-T. GRCh37 (hg19) VCF-style: chr16-15841904-C-T.
Other names: c.2201G>A, p.Arg734His (NM_001040113.2, NM_001040114.2); c.2180G>A, p.Arg727His (NM_022844.3); short protein forms R727H, R734H.
Identifiers: ClinVar variation 4757857 (VCV004757857.1).
Genomic context (GRCh38, chr16:15,748,047, plus strand): 5'-CATTCCTCCACCCAGTCCCGCTCACCCCCTGCCCTACCTGGGCCAGACCTTGGGACTTAC[C>T]GTTGGCGGAACTCCTGGAAGACGATCCGGTTGGGGAAGCCCTGCCGGCAGATGCGAATGC-3'
Protein context (NP_002465.1, residues 717-737): NRIVFQEFRQ[Arg727His]YEILAANAIP

ClinVar aggregate classification (germline): Uncertain significance (1 of 4 stars; one submission).

Conditions:
Familial thoracic aortic aneurysm and aortic dissection (TAAD). Also called: Thoracic aortic aneurysms and dissections. Identifiers: Orphanet 91387, MedGen C4707243, MONDO:0019625.

gnomAD v4.1: 4 of 1,614,202 alleles (0.00025%); highest among the groups gnomAD compares: Admixed American, 0.0017%; no homozygotes.

Submission:

Color Diagnostics, LLC DBA Color Health
Classification: Uncertain significance for Familial thoracic aortic aneurysm and aortic dissection. Last evaluated: 2025-08-30. Review status: criteria provided, single submitter. Criteria: ACMG Guidelines, 2015. Collection method: clinical testing. Allele origin: germline.
Comment: This missense variant replaces arginine with histidine at codon 734 of the MYH11 protein. Computational prediction suggests that this variant may have deleterious impact on protein structure and function. To our knowledge, functional studies have not been reported for this variant. This variant has not been reported in individuals affected with MYH11-related disorders in the literature. This variant has been identified in 2/251402 chromosomes in the general population by the Genome Aggregation Database (gnomAD). The available evidence is insufficient to determine the role of this variant in disease conclusively. Therefore, this variant is classified as a Variant of Uncertain Significance.